The following is an entry in ClinVar:

ClinVar aggregate classification (germline): Uncertain significance (1 of 4 stars; one submission).

Conditions:
Inborn genetic diseases. Identifiers: MedGen C0950123, MeSH D030342.

Submission:

Ambry Genetics
Classification: Uncertain significance for Inborn genetic diseases. Last evaluated: 2025-08-02. Review status: criteria provided, single submitter. Criteria: Ambry Variant Classification Scheme 2023. Collection method: clinical testing. Allele origin: germline.
Comment: The p.S668C variant (also known as c.2002A>T), located in coding exon 22 of the FANCA gene, results from an A to T substitution at nucleotide position 2002. The serine at codon 668 is replaced by cysteine, an amino acid with dissimilar properties. This amino acid position is conserved. In addition, this alteration is predicted to be tolerated by in silico analysis. Based on the available evidence, the clinical significance of this variant remains unclear.

NM_000135.4(FANCA):c.2002A>T (p.Ser668Cys)

Gene: FANCA (FA complementation group A; minus strand). Cytogenetic location: 16q24.3.
Variant type: single nucleotide variant.
Coding change: c.2002A>T on transcript NM_000135.4 (MANE Select); coding-DNA position 2002, A replaced by T.
Protein change: p.Ser668Cys; replaces serine 668 with cysteine.
Molecular consequence: missense variant.
Genome position (GRCh38, 1-based): chr16:89,773,283, T>A on the plus strand (A>T on the coding strand, the complement: FANCA is on the minus strand). VCF-style: chr16-89773283-T-A. GRCh37 (hg19) VCF-style: chr16-89839691-T-A.
Other names: c.2002A>T, p.Ser668Cys (NM_001286167.3); short protein forms S668C.
Identifiers: ClinVar variation 4254249 (VCV004254249.1).